The following is an entry in ClinVar:

ClinVar aggregate classification (germline): Pathogenic. Review status: criteria provided, multiple submitters, no conflicts (2 of 4 stars). 2 submissions from 2 submitters: Pathogenic (2). Last evaluated 2024-05-14.

Conditions:
Retinitis pigmentosa 25 (RP25). Identifiers: Orphanet 791, MedGen C1864446, MONDO:0011272, OMIM 602772.

Submissions (2):

Myriad Genetics, Inc.
Classification: Pathogenic for Retinitis pigmentosa 25. Last evaluated: 2024-05-14. Review status: criteria provided, single submitter. Criteria: Myriad Autosomal Dominant, Autosomal Recessive and X-Linked Classification Criteria (2023). Collection method: clinical testing. Allele origin: unknown.
Comment: NM_001142800.1(EYS):c.5251C>T(Q1751*) is expected to be pathogenic in the context of retinitis pigmentosa, EYS-related. This variant is predicted to lead to an abnormal or absent protein product due to the creation of a premature termination codon in EYS, a gene where loss-of-function variants are known to be pathogenic. Please note: this variant was assessed in the context of healthy population screening.

Labcorp Genetics (formerly Invitae), Labcorp
Classification: Pathogenic. Last evaluated: 2022-08-16. Review status: criteria provided, single submitter. Criteria: Invitae Variant Classification Sherloc (09022015). Collection method: clinical testing. Allele origin: germline.
Comment: This sequence change creates a premature translational stop signal (p.Gln1751*) in the EYS gene. It is expected to result in an absent or disrupted protein product. Loss-of-function variants in EYS are known to be pathogenic (PMID: 18836446, 20333770). This variant is not present in population databases (gnomAD no frequency). For these reasons, this variant has been classified as Pathogenic. This premature translational stop signal has been observed in individual(s) with retinitis pigmentosa (PMID: 20333770).

Literature cited by the submitters: PubMed 18836446 (cited by Labcorp Genetics (formerly Invitae), Labcorp); PubMed 20333770 (cited by Labcorp Genetics (formerly Invitae), Labcorp).

NM_001142800.2(EYS):c.5251C>T (p.Gln1751Ter)

Gene: EYS (EGF-like photoreceptor maintenance factor; minus strand). Cytogenetic location: 6q12.
Variant type: single nucleotide variant.
Coding change: c.5251C>T on transcript NM_001142800.2 (MANE Select); coding-DNA position 5251, C replaced by T.
Protein change: p.Gln1751Ter; replaces glutamine 1751 with a stop codon.
Molecular consequence: nonsense.
Genome position (GRCh38, 1-based): chr6:64,590,616, G>A on the plus strand (C>T on the coding strand, the complement: EYS is on the minus strand). VCF-style: chr6-64590616-G-A. GRCh37 (hg19) VCF-style: chr6-65300509-G-A.
Other names: c.5251C>T, p.Gln1751Ter (NM_001292009.2); short protein forms Q1751*.
Identifiers: ClinVar variation 2136431 (VCV002136431.5), dbSNP rs1766374212, ClinGen allele CA364781505.